The following is an entry in ClinVar:

ClinVar aggregate classification (germline): Uncertain significance (1 of 4 stars; one submission).

gnomAD v4.1: 3 of 1,609,304 alleles (0.00019%); highest among the groups gnomAD compares: South Asian, 0.0033%; no homozygotes.

Submission:

Ambry Genetics
Classification: Uncertain significance. Last evaluated: 2025-08-22. Review status: criteria provided, single submitter. Criteria: Ambry Variant Classification Scheme 2023. Collection method: clinical testing. Allele origin: germline.
Comment: The p.S174R variant (also known as c.522C>A), located in coding exon 1 of the EGLN1 gene, results from a C to A substitution at nucleotide position 522. The serine at codon 174 is replaced by arginine, an amino acid with dissimilar properties. This amino acid position is conserved. In addition, this alteration is predicted to be tolerated by in silico analysis. Based on the available evidence, the clinical significance of this variant remains unclear.

NM_022051.3(EGLN1):c.522C>A (p.Ser174Arg)

Gene: EGLN1 (egl-9 family hypoxia inducible factor 1; minus strand). Cytogenetic location: 1q42.2.
Variant type: single nucleotide variant.
Coding change: c.522C>A on transcript NM_022051.3 (MANE Select); coding-DNA position 522, C replaced by A.
Protein change: p.Ser174Arg; replaces serine 174 with arginine.
Molecular consequence: missense variant.
Genome position (GRCh38, 1-based): chr1:231,421,367, G>T on the plus strand (C>A on the coding strand, the complement: EGLN1 is on the minus strand). VCF-style: chr1-231421367-G-T. GRCh37 (hg19) VCF-style: chr1-231557113-G-T.
Other names: c.522C>A, p.Ser174Arg (NM_001377260.1, NM_001377261.1); short protein forms S174R.
Identifiers: ClinVar variation 4247403 (VCV004247403.1).